The following is an entry in ClinVar:

ClinVar aggregate classification (germline): Uncertain significance. Review status: criteria provided, multiple submitters, no conflicts (2 of 4 stars). 2 submissions from 2 submitters: Uncertain significance (2). Last evaluated 2023-05-28.

Conditions:
Monocytopenia with susceptibility to infections. Also called: MONOCYTOPENIA AND MYCOBACTERIAL INFECTION SYNDROME; MONOCYTOPENIA WITH SUSCEPTIBILITY TO MYCOBACTERIAL, FUNGAL, AND PAPILLOMAVIRUS INFECTIONS AND MYELODYSPLASIA; COMBINED IMMUNODEFICIENCY WITH SUSCEPTIBILITY TO MYCOBACTERIAL, VIRAL, AND FUNGAL INFECTIONS; Dendritic cell, monocyte, B lymphocyte, and natural killer lymphocyte deficiency; IMMUNODEFICIENCY 21; GATA2 DEFICIENCY. Identifiers: Orphanet 228423, MedGen C3280030, MONDO:0013607, OMIM 614172.
Deafness-lymphedema-leukemia syndrome. Also called: Lymphedema, primary, with myelodysplasia; Emberger syndrome. Identifiers: Orphanet 3226, MedGen C3279664, MONDO:0013540, OMIM 614038.

Submissions (2):

Labcorp Genetics (formerly Invitae), Labcorp
Classification: Uncertain significance for Monocytopenia with susceptibility to infections; Deafness-lymphedema-leukemia syndrome. Last evaluated: 2023-05-28. Review status: criteria provided, single submitter. Criteria: Invitae Variant Classification Sherloc (09022015). Collection method: clinical testing. Allele origin: germline.
Comment: In summary, the available evidence is currently insufficient to determine the role of this variant in disease. Therefore, it has been classified as a Variant of Uncertain Significance. Advanced modeling of protein sequence and biophysical properties (such as structural, functional, and spatial information, amino acid conservation, physicochemical variation, residue mobility, and thermodynamic stability) has been performed at Invitae for this missense variant, however the output from this modeling did not meet the statistical confidence thresholds required to predict the impact of this variant on GATA2 protein function. This variant has not been reported in the literature in individuals affected with GATA2-related conditions. This variant is not present in population databases (gnomAD no frequency). This sequence change replaces cysteine, which is neutral and slightly polar, with tyrosine, which is neutral and polar, at codon 85 of the GATA2 protein (p.Cys85Tyr).

Blueprint Genetics
Classification: Uncertain significance. Last evaluated: 2019-10-29. Review status: criteria provided, single submitter. Criteria: ACMG Guidelines, 2015. Collection method: clinical testing. Allele origin: germline.

NM_032638.5(GATA2):c.254G>A (p.Cys85Tyr)

Gene: GATA2 (GATA binding protein 2; minus strand). Cytogenetic location: 3q21.3.
Variant type: single nucleotide variant.
Coding change: c.254G>A on transcript NM_032638.5 (MANE Select); coding-DNA position 254, G replaced by A.
Protein change: p.Cys85Tyr; replaces cysteine 85 with tyrosine.
Molecular consequence: missense variant.
Genome position (GRCh38, 1-based): chr3:128,486,344, C>T on the plus strand (G>A on the coding strand, the complement: GATA2 is on the minus strand). VCF-style: chr3-128486344-C-T. GRCh37 (hg19) VCF-style: chr3-128205187-C-T.
Other names: c.254G>A, p.Cys85Tyr (NM_001145661.2, NM_001145662.1); short protein forms C85Y.
Identifiers: ClinVar variation 2927898 (VCV002927898.4), dbSNP rs2472932254, ClinGen allele CA354407813.